The following is an entry in ClinVar:

ClinVar aggregate classification (germline): Uncertain significance (1 of 4 stars; one submission).

Conditions:
Aortic aneurysm, familial thoracic 8 (AAT8). Identifiers: MedGen C3809513, MONDO:0014187, OMIM 615436.

gnomAD v4.1: 2 of 1,613,396 alleles (0.00012%); highest among the groups gnomAD compares: Non-Finnish European, 0.00017%; no homozygotes.

Submission:

Labcorp Genetics (formerly Invitae), Labcorp
Classification: Uncertain significance for Aortic aneurysm, familial thoracic 8. Last evaluated: 2025-12-05. Review status: criteria provided, single submitter. Criteria: Invitae Variant Classification Sherloc (09022015). Collection method: clinical testing. Allele origin: germline.
Comment: This sequence change replaces tyrosine, which is neutral and polar, with cysteine, which is neutral and slightly polar, at codon 489 of the PRKG1 protein (p.Tyr489Cys). This variant is present in population databases (rs149710600, gnomAD 0.0009%). This variant has not been reported in the literature in individuals affected with PRKG1-related conditions. ClinVar contains an entry for this variant (Variation ID: 407089). An algorithm developed to predict the effect of missense changes on protein structure and function (PolyPhen-2) suggests that this variant is likely to be disruptive. In summary, the available evidence is currently insufficient to determine the role of this variant in disease. Therefore, it has been classified as a Variant of Uncertain Significance.

NM_006258.4(PRKG1):c.1466A>G (p.Tyr489Cys)

Gene: PRKG1 (protein kinase cGMP-dependent 1; plus strand). Cytogenetic location: 10q21.1.
Variant type: single nucleotide variant.
Coding change: c.1466A>G on transcript NM_006258.4 (MANE Select); coding-DNA position 1466, A replaced by G.
Protein change: p.Tyr489Cys; replaces tyrosine 489 with cysteine.
Molecular consequence: missense variant.
Genome position (GRCh38, 1-based): chr10:52,280,851, A>G. VCF-style: chr10-52280851-A-G. GRCh37 (hg19) VCF-style: chr10-54040611-A-G.
Other names: c.1421A>G, p.Tyr474Cys (LRG_1135t2, NM_001098512.3); c.1466A>G, p.Tyr489Cys (LRG_1135t1); short protein forms Y474C, Y489C.
Identifiers: ClinVar variation 407089 (VCV000407089.10), dbSNP rs149710600, ClinGen allele CA5503866.